The following is an entry in ClinVar:

NM_003738.5(PTCH2):c.788G>A (p.Ser263Asn)

Gene: PTCH2 (patched 2; minus strand). Cytogenetic location: 1p34.1.
Variant type: single nucleotide variant.
Coding change: c.788G>A on transcript NM_003738.5 (MANE Select); coding-DNA position 788, G replaced by A.
Protein change: p.Ser263Asn; replaces serine 263 with asparagine.
Molecular consequence: missense variant.
Genome position (GRCh38, 1-based): chr1:44,830,873, C>T on the plus strand (G>A on the coding strand, the complement: PTCH2 is on the minus strand). VCF-style: chr1-44830873-C-T. GRCh37 (hg19) VCF-style: chr1-45296545-C-T.
Other names: c.788G>A, p.Ser263Asn (NM_001166292.2); short protein forms S263N.
Identifiers: ClinVar variation 943377 (VCV000943377.8), dbSNP rs77102909, ClinGen allele CA823532.

ClinVar aggregate classification (germline): Uncertain significance (1 of 4 stars; one submission).

Conditions:
Gorlin syndrome. Also called: Nevoid Basal Cell Carcinoma Syndrome; Basal cell nevus syndrome. Identifiers: Orphanet 377, MedGen C0004779, MONDO:0007187.

Allele frequency attached by ClinVar (database versions not stated): TOPMed 0.00006; 1000 Genomes Project 30x 0.00016.

Submission:

Labcorp Genetics (formerly Invitae), Labcorp
Classification: Uncertain significance for Gorlin syndrome. Last evaluated: 2025-02-02. Review status: criteria provided, single submitter. Criteria: Invitae Variant Classification Sherloc (09022015). Collection method: clinical testing. Allele origin: germline.
Comment: This sequence change replaces serine, which is neutral and polar, with asparagine, which is neutral and polar, at codon 263 of the PTCH2 protein (p.Ser263Asn). This variant is present in population databases (rs77102909, gnomAD 0.04%), and has an allele count higher than expected for a pathogenic variant. This missense change has been observed in individual(s) with pituitary stalk interruption syndrome (PMID: 32864857). ClinVar contains an entry for this variant (Variation ID: 943377). Invitae Evidence Modeling of protein sequence and biophysical properties (such as structural, functional, and spatial information, amino acid conservation, physicochemical variation, residue mobility, and thermodynamic stability) indicates that this missense variant is not expected to disrupt PTCH2 protein function with a negative predictive value of 80%. In summary, the available evidence is currently insufficient to determine the role of this variant in disease. Therefore, it has been classified as a Variant of Uncertain Significance.

Literature cited by the submitters: PubMed 32864857.